The following is an entry in ClinVar:

NM_172364.5(CACNA2D4):c.649+5C>T

Gene: CACNA2D4 (calcium voltage-gated channel auxiliary subunit alpha2delta 4; minus strand). Cytogenetic location: 12p13.33.
Variant type: single nucleotide variant.
Coding change: c.649+5C>T on transcript NM_172364.5 (MANE Select); 5 bases into the intron after coding-DNA position 649, C replaced by T.
Molecular consequence: intron variant.
Genome position (GRCh38, 1-based): chr12:1,907,870, G>A on the plus strand (C>T on the coding strand, the complement: CACNA2D4 is on the minus strand). VCF-style: chr12-1907870-G-A. GRCh37 (hg19) VCF-style: chr12-2017036-G-A.
Identifiers: ClinVar variation 197893 (VCV000197893.14), dbSNP rs370133531, ClinGen allele CA246280.

ClinVar aggregate classification (germline): Uncertain significance. Review status: criteria provided, multiple submitters, no conflicts (2 of 4 stars). 3 submissions from 3 submitters: Uncertain significance (3). Last evaluated 2025-05-13.

Allele frequency attached by ClinVar (database versions not stated): TOPMed below 0.00001; gnomAD 0.00001 and 0.00003; ExAC 0.00003; gnomAD exomes 0.00003; 1000 Genomes Project 30x 0.00047; 1000 Genomes Project 0.00060.
gnomAD v4.1: 14 of 1,613,958 alleles (0.00087%); highest among the groups gnomAD compares: East Asian, 0.018%; 1 homozygote.

Submissions (3):

Labcorp Genetics (formerly Invitae), Labcorp
Classification: Uncertain significance. Last evaluated: 2025-05-13. Review status: criteria provided, single submitter. Criteria: Invitae Variant Classification Sherloc (09022015). Collection method: clinical testing. Allele origin: germline.
Comment: This sequence change falls in intron 5 of the CACNA2D4 gene. It does not directly change the encoded amino acid sequence of the CACNA2D4 protein. It affects a nucleotide within the consensus splice site. This variant is present in population databases (rs370133531, gnomAD 0.05%). This variant has not been reported in the literature in individuals affected with CACNA2D4-related conditions. ClinVar contains an entry for this variant (Variation ID: 197893). Variants that disrupt the consensus splice site are a relatively common cause of aberrant splicing (PMID: 17576681, 9536098). Algorithms developed to predict the effect of sequence changes on RNA splicing suggest that this variant is not likely to affect RNA splicing. In summary, the available evidence is currently insufficient to determine the role of this variant in disease. Therefore, it has been classified as a Variant of Uncertain Significance.

Blueprint Genetics
Classification: Uncertain significance. Last evaluated: 2023-03-24. Review status: criteria provided, single submitter. Criteria: ACMG Guidelines, 2015. Collection method: clinical testing. Allele origin: germline.

Eurofins Ntd Llc (ga)
Classification: Uncertain significance. Last evaluated: 2014-06-10. Review status: criteria provided, single submitter. Criteria: EGL Classification Definitions 2015. Collection method: clinical testing. Allele origin: germline. Observed: 1 variant allele, 1 heterozygote.

Literature cited by the submitters: PubMed 17576681 (cited by Labcorp Genetics (formerly Invitae), Labcorp); PubMed 9536098 (cited by Labcorp Genetics (formerly Invitae), Labcorp).